The following is an entry in ClinVar:

ClinVar aggregate classification (germline): Uncertain significance (1 of 4 stars; one submission).

Submission:

GeneDx
Classification: Uncertain significance. Last evaluated: 2024-09-13. Review status: criteria provided, single submitter. Criteria: GeneDx Variant Classification Process June 2021. Collection method: clinical testing. Allele origin: germline. Affected: yes.
Comment: Not observed at significant frequency in large population cohorts (gnomAD); Has not been previously published as pathogenic or benign to our knowledge; Nonsense variant predicted to result in protein truncation as the last 1 amino acid is lost with an unclear effect on protein function

NM_017934.7(PHIP):c.5463G>A (p.Trp1821Ter)

Genes: IRAK1BP1 (interleukin 1 receptor associated kinase 1 binding protein 1; plus strand), PHIP (pleckstrin homology domain interacting protein; minus strand). Cytogenetic location: 6q14.1.
Variant type: single nucleotide variant.
Coding change: c.5463G>A on transcript NM_017934.7 (MANE Select); coding-DNA position 5463, G replaced by A.
Protein change: p.Trp1821Ter; replaces tryptophan 1821 with a stop codon.
Molecular consequence: nonsense.
Genome position (GRCh38, 1-based): chr6:78,940,696, C>T on the plus strand (G>A on the coding strand, the complement: PHIP is on the minus strand). VCF-style: chr6-78940696-C-T. GRCh37 (hg19) VCF-style: chr6-79650413-C-T.
Other names: short protein forms W1821*.
Identifiers: ClinVar variation 3769876 (VCV003769876.1).
Genomic context (GRCh38, chr6:78,940,696, plus strand): 5'-CTTATTCCTTAACTGTACCTGCTTTATAGATTTTGAAGTAAAATATTTTGGTACAAGTTA[C>T]CAACCAATTAAATTAGCTTTTGCTTTTTCAGTCAACTTTCGGACTCGTCCTCTACTAGAA-3'